The following is an entry in ClinVar:

ClinVar aggregate classification (germline): Pathogenic. Review status: criteria provided, multiple submitters, no conflicts (2 of 4 stars). 2 submissions from 2 submitters: Pathogenic (2). Last evaluated 2024-08-27.

Conditions:
Inborn genetic diseases. Identifiers: MedGen C0950123, MeSH D030342.

gnomAD v4.1: 10 of 1,605,964 alleles (0.00062%); highest among the groups gnomAD compares: Non-Finnish European, 0.00076%; no homozygotes.

Submissions (2):

Labcorp Genetics (formerly Invitae), Labcorp
Classification: Pathogenic. Last evaluated: 2024-08-27. Review status: criteria provided, single submitter. Criteria: Invitae Variant Classification Sherloc (09022015). Collection method: clinical testing. Allele origin: germline.
Comment: This sequence change creates a premature translational stop signal (p.Ser421*) in the LAMC3 gene. It is expected to result in an absent or disrupted protein product. Loss-of-function variants in LAMC3 are known to be pathogenic (PMID: 21572413, 26802095). The frequency data for this variant in the population databases is considered unreliable, as metrics indicate poor data quality at this position in the gnomAD database. This variant has not been reported in the literature in individuals affected with LAMC3-related conditions. ClinVar contains an entry for this variant (Variation ID: 2385871). Algorithms developed to predict the effect of sequence changes on RNA splicing suggest that this variant may disrupt the consensus splice site. For these reasons, this variant has been classified as Pathogenic.

Ambry Genetics
Classification: Pathogenic for Inborn genetic diseases. Last evaluated: 2021-10-19. Review status: criteria provided, single submitter. Criteria: Ambry Variant Classification Scheme 2023. Collection method: clinical testing. Allele origin: germline.
Comment: The c.1262C>A (p.S421*) alteration, located in exon 6 (coding exon 6) of the LAMC3 gene, consists of a C to A substitution at nucleotide position 1262. This changes the amino acid from a serine (S) to a stop codon at amino acid position 421. This alteration is expected to result in loss of function by premature protein truncation or nonsense-mediated mRNA decay. Based on data from gnomAD, the A allele has an overall frequency of <0.001% (2/244656) total alleles studied. The highest observed frequency was 0.002% (2/113182) of European (non-Finnish) alleles. Based on the available evidence, this alteration is classified as pathogenic.

Literature cited by the submitters: PubMed 21572413 (cited by Labcorp Genetics (formerly Invitae), Labcorp); PubMed 26802095 (cited by Labcorp Genetics (formerly Invitae), Labcorp).

NM_006059.4(LAMC3):c.1262C>A (p.Ser421Ter)

Gene: LAMC3 (laminin subunit gamma 3; plus strand). Cytogenetic location: 9q34.12.
Variant type: single nucleotide variant.
Coding change: c.1262C>A on transcript NM_006059.4 (MANE Select); coding-DNA position 1262, C replaced by A.
Protein change: p.Ser421Ter; replaces serine 421 with a stop codon.
Molecular consequence: nonsense.
Genome position (GRCh38, 1-based): chr9:131,039,227, C>A. VCF-style: chr9-131039227-C-A. GRCh37 (hg19) VCF-style: chr9-133914614-C-A.
Other names: short protein forms S421*.
Identifiers: ClinVar variation 2385871 (VCV002385871.4), dbSNP rs376262461, ClinGen allele CA200689248.
Genomic context (GRCh38, chr9:131,039,227, plus strand): 5'-GCGCCTGCAAGCCCACGGTGACTGGCTGGAAGTGTGACCGCTGTCTGCCCGGGTTCCACT[C>A]GCTCAGTGAGGGAGGCTGCAGGTGAGGGCGAGGGGCGGCCCAGTATGGACACATTGCACT-3'